The following is an entry in ClinVar:

ClinVar aggregate classification (germline): Uncertain significance (1 of 4 stars; one submission).

Submission:

Labcorp Genetics (formerly Invitae), Labcorp
Classification: Uncertain significance. Last evaluated: 2022-10-01. Review status: criteria provided, single submitter. Criteria: Invitae Variant Classification Sherloc (09022015). Collection method: clinical testing. Allele origin: germline.
Comment: This sequence change replaces tyrosine, which is neutral and polar, with serine, which is neutral and polar, at codon 70 of the GNAT1 protein (p.Tyr70Ser). This variant is not present in population databases (gnomAD no frequency). This variant has not been reported in the literature in individuals affected with GNAT1-related conditions. Advanced modeling of protein sequence and biophysical properties (such as structural, functional, and spatial information, amino acid conservation, physicochemical variation, residue mobility, and thermodynamic stability) performed at Invitae indicates that this missense variant is not expected to disrupt GNAT1 protein function. In summary, the available evidence is currently insufficient to determine the role of this variant in disease. Therefore, it has been classified as a Variant of Uncertain Significance.

NM_144499.3(GNAT1):c.209A>C (p.Tyr70Ser)

Gene: GNAT1 (G protein subunit alpha transducin 1; plus strand). Cytogenetic location: 3p21.31.
Variant type: single nucleotide variant.
Coding change: c.209A>C on transcript NM_144499.3 (MANE Select); coding-DNA position 209, A replaced by C.
Protein change: p.Tyr70Ser; replaces tyrosine 70 with serine.
Molecular consequence: missense variant.
Genome position (GRCh38, 1-based): chr3:50,193,324, A>C. VCF-style: chr3-50193324-A-C. GRCh37 (hg19) VCF-style: chr3-50230757-A-C.
Other names: c.209A>C, p.Tyr70Ser (NM_000172.4); short protein forms Y70S.
Identifiers: ClinVar variation 2014442 (VCV002014442.4), dbSNP rs2546144317, ClinGen allele CA352913256.